The following is an entry in ClinVar:

ClinVar aggregate classification (germline): Uncertain significance. Review status: criteria provided, multiple submitters, no conflicts (2 of 4 stars). 2 submissions from 2 submitters: Uncertain significance (2). Last evaluated 2022-07-19.

Conditions:
Epilepsy. Also called: Seizure disorder. Identifiers: MedGen C0014544, MeSH D004827, MONDO:0005027.

gnomAD v4.1: 1 of 1,613,688 alleles (0.000062%); highest among the groups gnomAD compares: African/African-American, 0.0013%; no homozygotes.

Submissions (2):

Labcorp Genetics (formerly Invitae), Labcorp
Classification: Uncertain significance for Epilepsy. Last evaluated: 2022-07-19. Review status: criteria provided, single submitter. Criteria: Invitae Variant Classification Sherloc (09022015). Collection method: clinical testing. Allele origin: germline.
Comment: This sequence change replaces serine, which is neutral and polar, with tyrosine, which is neutral and polar, at codon 363 of the PIGQ protein (p.Ser363Tyr). This variant is present in population databases (no rsID available, gnomAD 0.007%). This variant has not been reported in the literature in individuals affected with PIGQ-related conditions. ClinVar contains an entry for this variant (Variation ID: 1381208). Algorithms developed to predict the effect of missense changes on protein structure and function are either unavailable or do not agree on the potential impact of this missense change (SIFT: "Deleterious"; PolyPhen-2: "Possibly Damaging"; Align-GVGD: "Class C0"). In summary, the available evidence is currently insufficient to determine the role of this variant in disease. Therefore, it has been classified as a Variant of Uncertain Significance.

GeneDx
Classification: Uncertain significance. Last evaluated: 2022-04-10. Review status: criteria provided, single submitter. Criteria: GeneDx Variant Classification Process June 2021. Collection method: clinical testing. Allele origin: germline. Affected: yes.
Comment: Not observed at significant frequency in large population cohorts (gnomAD); In silico analysis supports that this missense variant has a deleterious effect on protein structure/function; Has not been previously published as pathogenic or benign to our knowledge

NM_004204.5(PIGQ):c.1088C>A (p.Ser363Tyr)

Gene: PIGQ (phosphatidylinositol glycan anchor biosynthesis class Q; plus strand). Cytogenetic location: 16p13.3.
Variant type: single nucleotide variant.
Coding change: c.1088C>A on transcript NM_004204.5 (MANE Select); coding-DNA position 1088, C replaced by A.
Protein change: p.Ser363Tyr; replaces serine 363 with tyrosine.
Molecular consequence: missense variant.
Genome position (GRCh38, 1-based): chr16:578,803, C>A. VCF-style: chr16-578803-C-A. GRCh37 (hg19) VCF-style: chr16-628803-C-A.
Other names: c.1088C>A, p.Ser363Tyr (NM_148920.4); short protein forms S363Y.
Identifiers: ClinVar variation 1381208 (VCV001381208.4), dbSNP rs200912387, ClinGen allele CA394056643.